The following is an entry in ClinVar:

NM_018975.4(TERF2IP):c.1116A>C (p.Lys372Asn)

Gene: TERF2IP (TERF2 interacting protein; plus strand). Cytogenetic location: 16q23.1.
Variant type: single nucleotide variant.
Coding change: c.1116A>C on transcript NM_018975.4 (MANE Select); coding-DNA position 1116, A replaced by C.
Protein change: p.Lys372Asn; replaces lysine 372 with asparagine.
Molecular consequence: missense variant. On other transcripts: non-coding transcript variant (1).
Genome position (GRCh38, 1-based): chr16:75,656,527, A>C. VCF-style: chr16-75656527-A-C. GRCh37 (hg19) VCF-style: chr16-75690425-A-C.
Other names: short protein forms K372N.
Identifiers: ClinVar variation 1796252 (VCV001796252.4), dbSNP rs774780657, ClinGen allele CA8178171.

ClinVar aggregate classification (germline): Uncertain significance. Review status: criteria provided, multiple submitters, no conflicts (2 of 4 stars). 2 submissions from 2 submitters: Uncertain significance (2). Last evaluated 2025-06-06.

Allele frequency attached by ClinVar (database versions not stated): ExAC 0.00001.

Submissions (2):

Labcorp Genetics (formerly Invitae), Labcorp
Classification: Uncertain significance. Last evaluated: 2025-06-06. Review status: criteria provided, single submitter. Criteria: Invitae Variant Classification Sherloc (09022015). Collection method: clinical testing. Allele origin: germline.
Comment: This sequence change replaces lysine, which is basic and polar, with asparagine, which is neutral and polar, at codon 372 of the TERF2IP protein (p.Lys372Asn). This variant is present in population databases (rs774780657, gnomAD 0.0009%). This variant has not been reported in the literature in individuals affected with TERF2IP-related conditions. ClinVar contains an entry for this variant (Variation ID: 1796252). An algorithm developed to predict the effect of missense changes on protein structure and function (PolyPhen-2) suggests that this variant is likely to be disruptive. In summary, the available evidence is currently insufficient to determine the role of this variant in disease. Therefore, it has been classified as a Variant of Uncertain Significance.

Ambry Genetics
Classification: Uncertain significance. Last evaluated: 2024-05-16. Review status: criteria provided, single submitter. Criteria: Ambry Variant Classification Scheme 2023. Collection method: clinical testing. Allele origin: germline.
Comment: The p.K372N variant (also known as c.1116A>C), located in coding exon 3 of the TERF2IP gene, results from an A to C substitution at nucleotide position 1116. The lysine at codon 372 is replaced by asparagine, an amino acid with similar properties. This amino acid position is conserved. In addition, this alteration is predicted to be tolerated by in silico analysis. Since supporting evidence is limited at this time, the clinical significance of this alteration remains unclear.